The following is an entry in ClinVar:

NM_012193.4(FZD4):c.1495A>G (p.Lys499Glu)

Genes: PRSS23 (serine protease 23; plus strand), FZD4 (frizzled class receptor 4; minus strand). Cytogenetic location: 11q14.2.
Variant type: single nucleotide variant.
Coding change: c.1495A>G on transcript NM_012193.4 (MANE Select); coding-DNA position 1495, A replaced by G.
Protein change: p.Lys499Glu; replaces lysine 499 with glutamic acid.
Molecular consequence: missense variant. On other transcripts: non-coding transcript variant (2).
Genome position (GRCh38, 1-based): chr11:86,951,261, T>C on the plus strand (A>G on the coding strand, the complement: FZD4 is on the minus strand). VCF-style: chr11-86951261-T-C. GRCh37 (hg19) VCF-style: chr11-86662303-T-C.
Other names: short protein forms K499E.
Identifiers: ClinVar variation 4885682 (VCV004885682.2).

ClinVar aggregate classification (germline): Uncertain significance (1 of 4 stars; one submission).

gnomAD v4.1: 3 of 1,614,242 alleles (0.00019%); highest among the groups gnomAD compares: Non-Finnish European, 0.00025%; no homozygotes.

Submission:

Dasa
Classification: Uncertain significance. Last evaluated: 2024-12-04. Review status: criteria provided, single submitter. Criteria: DASA Assertion Criteria. Collection method: clinical testing. Allele origin: germline.
Comment: NM_012193.4(FZD4):c.1495A>G (p.Lys499Glu) is a missense variant that results in the substitution of lysine with glutamic acid. This variant is rare in population databases. Computational prediction algorithms are consistent with a deleterious effect. The currently available literature and clinical evidence are not sufficient to establish a definitive association between this variant and the reported condition. Therefore, this variant is classified as a variant of uncertain significance.